The following is an entry in ClinVar:

NM_002460.4(IRF4):c.1272C>A (p.Phe424Leu)

Gene: IRF4 (interferon regulatory factor 4; plus strand). Cytogenetic location: 6p25.3.
Variant type: single nucleotide variant.
Coding change: c.1272C>A on transcript NM_002460.4 (MANE Select); coding-DNA position 1272, C replaced by A.
Protein change: p.Phe424Leu; replaces phenylalanine 424 with leucine.
Molecular consequence: missense variant. On other transcripts: non-coding transcript variant (1).
Genome position (GRCh38, 1-based): chr6:407,514, C>A. VCF-style: chr6-407514-C-A. GRCh37 (hg19) VCF-style: chr6-407514-C-A.
Other names: c.1269C>A, p.Phe423Leu (NM_001195286.2); short protein forms F423L, F424L.
Identifiers: ClinVar variation 2520048 (VCV002520048.4), dbSNP rs760504688, ClinGen allele CA3612938.

ClinVar aggregate classification (germline): Uncertain significance. Review status: criteria provided, multiple submitters, no conflicts (2 of 4 stars). 2 submissions from 2 submitters: Uncertain significance (2). Last evaluated 2024-05-21.

Allele frequency attached by ClinVar (database versions not stated): ExAC 0.00001; gnomAD 0.00001; TOPMed 0.00001.
gnomAD v4.1: 3 of 1,612,680 alleles (0.00019%); highest among the groups gnomAD compares: African/African-American, 0.0027%; no homozygotes.

Submissions (2):

Labcorp Genetics (formerly Invitae), Labcorp
Classification: Uncertain significance. Last evaluated: 2024-05-21. Review status: criteria provided, single submitter. Criteria: Invitae Variant Classification Sherloc (09022015). Collection method: clinical testing. Allele origin: germline.
Comment: This sequence change replaces phenylalanine, which is neutral and non-polar, with leucine, which is neutral and non-polar, at codon 424 of the IRF4 protein (p.Phe424Leu). This variant is present in population databases (rs760504688, gnomAD 0.007%). This variant has not been reported in the literature in individuals affected with IRF4-related conditions. ClinVar contains an entry for this variant (Variation ID: 2520048). Algorithms developed to predict the effect of missense changes on protein structure and function output the following: SIFT: "Not Available"; PolyPhen-2: "Benign"; Align-GVGD: "Not Available". The leucine amino acid residue is found in multiple mammalian species, which suggests that this missense change does not adversely affect protein function. In summary, the available evidence is currently insufficient to determine the role of this variant in disease. Therefore, it has been classified as a Variant of Uncertain Significance.

Ambry Genetics
Classification: Uncertain significance. Last evaluated: 2023-03-24. Review status: criteria provided, single submitter. Criteria: Ambry Variant Classification Scheme 2023. Collection method: clinical testing. Allele origin: germline.